The following is an entry in ClinVar:

ClinVar aggregate classification (germline): Uncertain significance (1 of 4 stars; one submission).

Conditions:
Hereditary cancer-predisposing syndrome. Also called: Neoplastic Syndromes, Hereditary; Tumor predisposition; Hereditary Cancer Syndrome; Hereditary neoplastic syndrome. Identifiers: Orphanet 140162, MedGen C0027672, MeSH D009386, MONDO:0015356.

Submission:

Ambry Genetics
Classification: Uncertain significance for Hereditary cancer-predisposing syndrome. Last evaluated: 2026-03-11. Review status: criteria provided, single submitter. Criteria: Ambry Variant Classification Scheme 2023. Collection method: clinical testing. Allele origin: germline.
Comment: The p.P1211L variant (also known as c.3632C>T), located in coding exon 22 of the PTCH1 gene, results from a C to T substitution at nucleotide position 3632. The proline at codon 1211 is replaced by leucine, an amino acid with similar properties. This amino acid position is conserved. In addition, the in silico prediction for this alteration is inconclusive. Based on the available evidence, the clinical significance of this variant remains unclear.

NM_000264.5(PTCH1):c.3632C>T (p.Pro1211Leu)

Gene: PTCH1 (patched 1; minus strand). Cytogenetic location: 9q22.32.
Variant type: single nucleotide variant.
Coding change: c.3632C>T on transcript NM_000264.5 (MANE Select); coding-DNA position 3632, C replaced by T.
Protein change: p.Pro1211Leu; replaces proline 1211 with leucine.
Molecular consequence: missense variant. On other transcripts: non-coding transcript variant (1).
Genome position (GRCh38, 1-based): chr9:95,449,241, G>A on the plus strand (C>T on the coding strand, the complement: PTCH1 is on the minus strand). VCF-style: chr9-95449241-G-A. GRCh37 (hg19) VCF-style: chr9-98211523-G-A.
Other names: c.3434C>T, p.Pro1145Leu (NM_001083602.3); c.3629C>T, p.Pro1210Leu (NM_001083603.3); c.3179C>T, p.Pro1060Leu (NM_001083604.3, NM_001083605.3, NM_001083606.3 and 1 more transcripts); c.3476C>T, p.Pro1159Leu (NM_001354918.2); short protein forms P1060L, P1159L, P1211L, P1145L, P1210L.
Identifiers: ClinVar variation 4826372 (VCV004826372.1).
Genomic context (GRCh38, chr9:95,449,241, plus strand): 5'-ACTGTCGTCTGGGAACTATACTCCGAGTCGGAGGAATCAGACCCGCTGTGCGTGTGGCCG[G>A]GCGGCATGGCGAAGCGGACCACGCTGGGGGGTGGCTCAGGGGAGGGTGTGGGCAGGCGGT-3'
Protein context (NP_000255.2, residues 1201-1221): PPSVVRFAMP[Pro1211Leu]GHTHSGSDSS